The following is an entry in ClinVar:

NM_005751.5(AKAP9):c.6330+19T>C

Gene: AKAP9 (A-kinase anchoring protein 9; plus strand). Cytogenetic location: 7q21.2.
Variant type: single nucleotide variant.
Coding change: c.6330+19T>C on transcript NM_005751.5 (MANE Select); 19 bases into the intron after coding-DNA position 6330, T replaced by C.
Molecular consequence: intron variant.
Genome position (GRCh38, 1-based): chr7:92,066,565, T>C. VCF-style: chr7-92066565-T-C. GRCh37 (hg19) VCF-style: chr7-91695879-T-C.
Other names: c.6330+19T>C (NM_147185.3); c.975+19T>C (NM_001379277.1).
Identifiers: ClinVar variation 1207057 (VCV001207057.14), dbSNP rs376744370, ClinGen allele CA4337040.
Genomic context (GRCh38, chr7:92,066,565, plus strand): 5'-GTTCCTCGATTCCAGCCTATCAGTGAACATCAAACTAGAGAGGTAAGAACTTCACTGATA[T>C]TGCCCAACTTACAGTAATTTGTATCAAGTGTAAAATAAGATGCATATCATTAAAAACTTA-3'

ClinVar aggregate classification (germline): Benign/Likely benign. Review status: criteria provided, multiple submitters, no conflicts (2 of 4 stars). 5 submissions from 5 submitters: Benign (3); Likely benign (2). Last evaluated 2025-06-09.

Conditions:
Long QT syndrome 11 (LQT11). Identifiers: Orphanet 101016, Orphanet 768, MedGen C2678483, MONDO:0012738, OMIM 611820.
Long QT syndrome (LQTS). Identifiers: MedGen C0023976, MeSH D008133, MONDO:0002442. Disease mechanism: loss of function. Inheritance: Various modes of inheritance.

Allele frequency attached by ClinVar (database versions not stated): gnomAD 0.00003 and 0.00032; ESP Exome Variant Server 0.00008; TOPMed 0.00008; gnomAD exomes 0.00121; ExAC 0.00135; 1000 Genomes Project 0.00200; 1000 Genomes Project 30x 0.00203.
gnomAD v4.1: 908 of 1,612,952 alleles (0.056%); highest among the groups gnomAD compares: South Asian, 0.87%; 14 homozygotes.

Submissions (5):

Labcorp Genetics (formerly Invitae), Labcorp
Classification: Benign for Long QT syndrome. Last evaluated: 2025-06-09. Review status: criteria provided, single submitter. Criteria: Invitae Variant Classification Sherloc (09022015). Collection method: clinical testing. Allele origin: germline.

Blueprint Genetics
Classification: Likely benign. Last evaluated: 2024-11-08. Review status: criteria provided, single submitter. Criteria: ACMG Guidelines, 2015. Collection method: clinical testing. Allele origin: germline.

Genome-Nilou Lab
Classification: Benign for Long QT syndrome 11. Last evaluated: 2021-12-05. Review status: criteria provided, single submitter. Criteria: ACMG Guidelines, 2015. Collection method: clinical testing. Allele origin: germline. Affected: no.

Women's Health and Genetics/Laboratory Corporation of America, LabCorp
Classification: Benign. Last evaluated: 2021-11-09. Review status: criteria provided, single submitter. Criteria: LabCorp Variant Classification Summary - May 2015. Collection method: clinical testing. Allele origin: germline.
Comment: Variant summary: AKAP9 c.6330+19T>C alters a non-conserved nucleotide located close to a canonical splice site: 4/4 computational tools predict no significant impact on normal splicing. However, these predictions have yet to be confirmed by functional studies. The variant allele was found at a frequency of 0.0012 in 249234 control chromosomes in the gnomAD database, including 6 homozygotes. The observed variant frequency is approximately 363.51 fold of the estimated maximal expected allele frequency for a pathogenic variant in AKAP9 causing Long QT Syndrome phenotype (3.3e-06), strongly suggesting that the variant is benign. To our knowledge, no occurrence of c.6330+19T>C in individuals affected with Long QT Syndrome and no experimental evidence demonstrating its impact on protein function have been reported. One clinical diagnostic laboratory has submitted clinical-significance assessments for this variant to ClinVar after 2014 without evidence for independent evaluation, classifying the variant as likely benign. Based on the evidence outlined above, the variant was classified as benign.

GeneDx
Classification: Likely benign. Last evaluated: 2019-12-19. Review status: criteria provided, single submitter. Criteria: GeneDx Variant Classification Process June 2021. Collection method: clinical testing. Allele origin: germline. Affected: yes.